The following is an entry in ClinVar:

ClinVar aggregate classification (germline): Pathogenic/Likely pathogenic. Review status: criteria provided, multiple submitters, no conflicts (2 of 4 stars). 2 submissions from 2 submitters: Pathogenic (1); Likely pathogenic (1). Last evaluated 2021-11-10.

Conditions:
Short-rib thoracic dysplasia 8 with or without polydactyly (SRTD8). Also called: SHORT-RIB THORACIC DYSPLASIA 8 WITH POLYDACTYLY. Identifiers: Orphanet 93271, MedGen C3809691, MONDO:0014214, OMIM 615503.
WDR60-related disorders.

Allele frequency attached by ClinVar (database versions not stated): ExAC 0.00001; gnomAD 0.00001.
gnomAD v4.1: 9 of 1,612,432 alleles (0.00056%); highest among the groups gnomAD compares: Admixed American, 0.0017%; no homozygotes.

Submissions (2):

Labcorp Genetics (formerly Invitae), Labcorp
Classification: Pathogenic for Short-rib thoracic dysplasia 8 with or without polydactyly. Last evaluated: 2021-11-10. Review status: criteria provided, single submitter. Criteria: Invitae Variant Classification Sherloc (09022015). Collection method: clinical testing. Allele origin: germline.
Comment: For these reasons, this variant has been classified as Pathogenic. This premature translational stop signal has been observed in individual(s) with Jeune asphyxiating thoracic dystrophy (PMID: 25492405, 28422394). This variant is present in population databases (rs752109819, gnomAD 0.003%). This sequence change creates a premature translational stop signal (p.Arg642*) in the WDR60 gene. It is expected to result in an absent or disrupted protein product. Loss-of-function variants in WDR60 are known to be pathogenic (PMID: 9068549, 23910462).

Blueprint Genetics
Classification: Likely pathogenic for WDR60-related disorders. Last evaluated: 2020-08-19. Review status: criteria provided, single submitter. Criteria: ACMG Guidelines, 2015. Collection method: clinical testing. Allele origin: germline. Affected: yes. Observed: 2 variant alleles.

Literature cited by the submitters: PubMed 25492405 (cited by Labcorp Genetics (formerly Invitae), Labcorp); PubMed 28422394 (cited by Labcorp Genetics (formerly Invitae), Labcorp); PubMed 9068549 (cited by Labcorp Genetics (formerly Invitae), Labcorp); PubMed 23910462 (cited by Labcorp Genetics (formerly Invitae), Labcorp).

NM_018051.5(DYNC2I1):c.1924C>T (p.Arg642Ter)

Gene: DYNC2I1 (dynein 2 intermediate chain 1; plus strand). Cytogenetic location: 7q36.3.
Variant type: single nucleotide variant.
Coding change: c.1924C>T on transcript NM_018051.5 (MANE Select); coding-DNA position 1924, C replaced by T.
Protein change: p.Arg642Ter; replaces arginine 642 with a stop codon.
Molecular consequence: nonsense.
Genome position (GRCh38, 1-based): chr7:158,922,379, C>T. VCF-style: chr7-158922379-C-T. GRCh37 (hg19) VCF-style: chr7-158715070-C-T.
Other names: c.1786C>T, p.Arg596Ter (NM_001350914.2); c.1351C>T, p.Arg451Ter (NM_001350915.2); c.463C>T, p.Arg155Ter (NM_001350916.2); c.676C>T, p.Arg226Ter (NM_001350917.2, NM_001350918.2); short protein forms R155*, R226*, R451*, R596*, R642*.
Identifiers: ClinVar variation 1680698 (VCV001680698.7), dbSNP rs752109819, ClinGen allele CA4594824.